The following is an entry in ClinVar:

ClinVar aggregate classification (germline): Uncertain significance (1 of 4 stars; one submission).

Submission:

GeneDx
Classification: Uncertain significance. Last evaluated: 2025-01-31. Review status: criteria provided, single submitter. Criteria: GeneDx Variant Classification Process June 2021. Collection method: clinical testing. Allele origin: germline. Affected: yes.
Comment: Not observed at significant frequency in large population cohorts (gnomAD); In silico analysis indicates that this missense variant does not alter protein structure/function; Has not been previously published as pathogenic or benign to our knowledge

NM_002480.3(PPP1R12A):c.2983T>A (p.Ser995Thr)

Genes: PPP1R12A (protein phosphatase 1 regulatory subunit 12A; minus strand), PPP1R12A-AS2 (PPP1R12A antisense RNA 2; plus strand). Cytogenetic location: 12q21.2.
Variant type: single nucleotide variant.
Coding change: c.2983T>A on transcript NM_002480.3 (MANE Select); coding-DNA position 2983, T replaced by A.
Protein change: p.Ser995Thr; replaces serine 995 with threonine.
Molecular consequence: missense variant. On other transcripts: non-coding transcript variant (1).
Genome position (GRCh38, 1-based): chr12:79,778,573, A>T on the plus strand (T>A on the coding strand, the complement: PPP1R12A is on the minus strand). VCF-style: chr12-79778573-A-T. GRCh37 (hg19) VCF-style: chr12-80172353-A-T.
Other names: c.2983T>A, p.Ser995Thr (NM_001143885.2); c.2722T>A, p.Ser908Thr (NM_001143886.2); c.2878T>A, p.Ser960Thr (NM_001244990.2); c.2815T>A, p.Ser939Thr (NM_001244992.1); short protein forms S908T, S939T, S960T, S995T.
Identifiers: ClinVar variation 4072624 (VCV004072624.1).